The following is an entry in ClinVar:

NM_001211.6(BUB1B):c.966G>A (p.Arg322=)

Gene: BUB1B (BUB1 mitotic checkpoint serine/threonine kinase B; plus strand). Cytogenetic location: 15q15.1.
Variant type: single nucleotide variant.
Coding change: c.966G>A on transcript NM_001211.6 (MANE Select); coding-DNA position 966, G replaced by A.
Protein change: p.Arg322=; no amino-acid change (arginine 322 retained).
Molecular consequence: synonymous variant.
Genome position (GRCh38, 1-based): chr15:40,185,379, G>A. VCF-style: chr15-40185379-G-A. GRCh37 (hg19) VCF-style: chr15-40477580-G-A.
Identifiers: ClinVar variation 1046803 (VCV001046803.8), dbSNP rs2037347512, ClinGen allele CA489968003.
Genomic context (GRCh38, chr15:40,185,379, plus strand): 5'-GGCCAAAGAGAATGAGCTGCAAGCAGGCCCTTGGAACACAGGCAGGTCCTTGGAACACAG[G>A]GTAAGGACTCTTAGATCCAGTGCTTTGCTGACACAACAAAGACTTCACATTTAGGGTAGA-3'
Protein context (NP_001202.5, residues 312-332): PWNTGRSLEH[Arg322=]PRGNTASLIA

ClinVar aggregate classification (germline): Uncertain significance (1 of 4 stars; one submission).

Conditions:
Mosaic variegated aneuploidy syndrome 1 (MVA1). Also called: Warburton-Anyane-Yeboa syndrome. Identifiers: Orphanet 1052, MedGen C1850343, MONDO:0009759, OMIM 257300.

Allele frequency attached by ClinVar (database versions not stated): gnomAD exomes below 0.00001.
gnomAD v4.1: 3 of 1,613,912 alleles (0.00019%); highest among the groups gnomAD compares: Non-Finnish European, 0.00025%; no homozygotes.

Submission:

Labcorp Genetics (formerly Invitae), Labcorp
Classification: Uncertain significance for Mosaic variegated aneuploidy syndrome 1. Last evaluated: 2022-03-07. Review status: criteria provided, single submitter. Criteria: Invitae Variant Classification Sherloc (09022015). Collection method: clinical testing. Allele origin: germline.
Comment: In summary, the available evidence is currently insufficient to determine the role of this variant in disease. Therefore, it has been classified as a Variant of Uncertain Significance. Variants that disrupt the consensus splice site are a relatively common cause of aberrant splicing (PMID: 17576681, 9536098). Algorithms developed to predict the effect of sequence changes on RNA splicing suggest that this variant may disrupt the consensus splice site. ClinVar contains an entry for this variant (Variation ID: 1046803). This variant has not been reported in the literature in individuals affected with BUB1B-related conditions. This variant is not present in population databases (gnomAD no frequency). This sequence change affects codon 322 of the BUB1B mRNA. It is a 'silent' change, meaning that it does not change the encoded amino acid sequence of the BUB1B protein. This variant also falls at the last nucleotide of exon 7, which is part of the consensus splice site for this exon.

Literature cited by the submitters: PubMed 17576681; PubMed 9536098.